The following is an entry in ClinVar:

ClinVar aggregate classification (germline): Uncertain significance (1 of 4 stars; one submission).

gnomAD v4.1: 3 of 1,601,980 alleles (0.00019%); highest among the groups gnomAD compares: Admixed American, 0.0018%; no homozygotes.

Submission:

GeneDx
Classification: Uncertain significance. Last evaluated: 2019-09-09. Review status: criteria provided, single submitter. Criteria: GeneDx Variant Classification Process June 2021. Collection method: clinical testing. Allele origin: germline. Affected: yes.
Comment: Not observed in large population cohorts (Lek et al., 2016); In silico analysis, which includes protein predictors and evolutionary conservation, supports that this variant does not alter protein structure/function; Has not been previously published as pathogenic or benign to our knowledge

NM_006929.5(SKIC2):c.1519C>G (p.Leu507Val)

Gene: SKIC2 (SKI2 subunit of superkiller complex; plus strand). Cytogenetic location: 6p21.33.
Variant type: single nucleotide variant.
Coding change: c.1519C>G on transcript NM_006929.5 (MANE Select); coding-DNA position 1519, C replaced by G.
Protein change: p.Leu507Val; replaces leucine 507 with valine.
Molecular consequence: missense variant.
Genome position (GRCh38, 1-based): chr6:31,963,528, C>G. VCF-style: chr6-31963528-C-G. GRCh37 (hg19) VCF-style: chr6-31931305-C-G.
Other names: short protein forms L507V.
Identifiers: ClinVar variation 1310572 (VCV001310572.2), dbSNP rs2151809375, ClinGen allele CA363457909.